The following is an entry in ClinVar:

ClinVar aggregate classification (germline): Uncertain significance. Review status: criteria provided, single submitter (1 of 4 stars). 2 submissions from 2 submitters: Uncertain significance (1). 1 of the submissions does not count toward it. Last evaluated 2022-07-31.

Conditions:
Leber congenital amaurosis (LCA). Also called: Leber's amaurosis. Identifiers: Orphanet 65, MedGen C0339527, MeSH D057130, MONDO:0018998.

Allele frequency attached by ClinVar (database versions not stated): gnomAD exomes 0.00004 and 0.00012; gnomAD below 0.00001 and 0.00003; 1000 Genomes Project 30x 0.00016; ExAC 0.00016; 1000 Genomes Project 0.00020.
gnomAD v4.1: 71 of 1,613,950 alleles (0.0044%); highest among the groups gnomAD compares: South Asian, 0.068%; no homozygotes.

Submissions (2):

Labcorp Genetics (formerly Invitae), Labcorp
Classification: Uncertain significance. Last evaluated: 2022-07-31. Review status: criteria provided, single submitter. Criteria: Invitae Variant Classification Sherloc (09022015). Collection method: clinical testing. Allele origin: germline.
Comment: This sequence change replaces phenylalanine, which is neutral and non-polar, with leucine, which is neutral and non-polar, at codon 162 of the LCA5 protein (p.Phe162Leu). This variant is present in population databases (rs533963525, gnomAD 0.09%). This variant has not been reported in the literature in individuals affected with LCA5-related conditions. ClinVar contains an entry for this variant (Variation ID: 841259). Algorithms developed to predict the effect of missense changes on protein structure and function output the following: SIFT: "Tolerated"; PolyPhen-2: "Benign"; Align-GVGD: "Class C0". The leucine amino acid residue is found in multiple mammalian species, which suggests that this missense change does not adversely affect protein function. In summary, the available evidence is currently insufficient to determine the role of this variant in disease. Therefore, it has been classified as a Variant of Uncertain Significance.

Natera, Inc.
Classification: Uncertain significance for Leber congenital amaurosis. Last evaluated: 2020-09-16. Review status: no assertion criteria provided. Collection method: clinical testing. Allele origin: germline. Not counted in ClinVar's aggregate classification.

NM_001122769.3(LCA5):c.484T>C (p.Phe162Leu)

Gene: LCA5 (lebercilin LCA5; minus strand). Cytogenetic location: 6q14.1.
Variant type: single nucleotide variant.
Coding change: c.484T>C on transcript NM_001122769.3 (MANE Select); coding-DNA position 484, T replaced by C.
Protein change: p.Phe162Leu; replaces phenylalanine 162 with leucine.
Molecular consequence: missense variant.
Genome position (GRCh38, 1-based): chr6:79,513,448, A>G on the plus strand (T>C on the coding strand, the complement: LCA5 is on the minus strand). VCF-style: chr6-79513448-A-G. GRCh37 (hg19) VCF-style: chr6-80223165-A-G.
Other names: c.484T>C, p.Phe162Leu (NM_181714.4); short protein forms F162L.
Identifiers: ClinVar variation 841259 (VCV000841259.4), dbSNP rs533963525, ClinGen allele CA3901115.